The following is an entry in ClinVar:

ClinVar aggregate classification (germline): Uncertain significance (1 of 4 stars; one submission).

Submission:

ARUP Laboratories, Molecular Genetics and Genomics, ARUP Laboratories
Classification: Uncertain significance. Last evaluated: 2023-02-22. Review status: criteria provided, single submitter. Criteria: ARUP Molecular Germline Variant Investigation Process 2024. Collection method: clinical testing. Allele origin: germline.
Comment: The NF1 c.2113_2121dup; p.Val705_Met707dup variant, to our knowledge, is not reported in the medical literature or gene specific databases. This variant is also absent from the Genome Aggregation Database, indicating it is not a common polymorphism. This variant duplicates a valine, alanine, and methionine residue leaving the rest of the protein in-frame. Due to limited information, the clinical significance of this variant is uncertain at this time.

NM_001042492.3(NF1):c.2113_2121dup (p.Met707_Ser708insValAlaMet)

Gene: NF1 (neurofibromin 1; plus strand). Cytogenetic location: 17q11.2.
Variant type: Duplication.
Coding change: c.2113_2121dup on transcript NM_001042492.3 (MANE Select); coding-DNA positions 2113 to 2121, 9 bases duplicated (GTTGCCATG; older notation c.2113_2121dupGTTGCCATG).
Protein change: p.Met707_Ser708insValAlaMet.
Molecular consequence: inframe insertion. On other transcripts: inframe indel (1).
Genome position (GRCh38, 1-based): chr17:31,226,546-31,226,554, GTTGCCATG duplicated; duplicating any 9 consecutive bases within chr17:31,226,544-31,226,554 gives the same sequence; the c. name uses the placement nearest the transcript's 3' end. VCF-style (leftmost placement, unchanged base first): chr17-31226543-C-CTGGTTGCCA. GRCh37 (hg19) VCF-style: chr17-29553561-C-CTGGTTGCCA.
Other names: c.2113_2121dup, p.Met707_Ser708insValAlaMet (NM_000267.4).
Identifiers: ClinVar variation 2920873 (VCV002920873.1), dbSNP rs2508156334, ClinGen allele CA2739267507.